The following is an entry in ClinVar:

NM_000122.2(ERCC3):c.1733C>T (p.Pro578Leu)

Gene: ERCC3 (ERCC excision repair 3, TFIIH core complex helicase subunit; minus strand). Cytogenetic location: 2q14.3.
Variant type: single nucleotide variant.
Coding change: c.1733C>T on transcript NM_000122.2 (MANE Select); coding-DNA position 1733, C replaced by T.
Protein change: p.Pro578Leu; replaces proline 578 with leucine.
Molecular consequence: missense variant.
Genome position (GRCh38, 1-based): chr2:127,272,959, G>A on the plus strand (C>T on the coding strand, the complement: ERCC3 is on the minus strand). VCF-style: chr2-127272959-G-A. GRCh37 (hg19) VCF-style: chr2-128030535-G-A.
Other names: c.1541C>T, p.Pro514Leu (NM_001303416.2, NM_001303418.2); short protein forms P514L, P578L.
Identifiers: ClinVar variation 1716308 (VCV001716308.5), dbSNP rs1333192307, ClinGen allele CA348387917.

ClinVar aggregate classification (germline): Uncertain significance (1 of 4 stars; one submission).

Allele frequency attached by ClinVar (database versions not stated): TOPMed below 0.00001; gnomAD 0.00001; gnomAD exomes 0.00001.
gnomAD v4.1: 6 of 1,595,922 alleles (0.00038%); highest among the groups gnomAD compares: African/African-American, 0.0013%; no homozygotes.

Submission:

Labcorp Genetics (formerly Invitae), Labcorp
Classification: Uncertain significance. Last evaluated: 2022-08-13. Review status: criteria provided, single submitter. Criteria: Invitae Variant Classification Sherloc (09022015). Collection method: clinical testing. Allele origin: germline.
Comment: In summary, the available evidence is currently insufficient to determine the role of this variant in disease. Therefore, it has been classified as a Variant of Uncertain Significance. Algorithms developed to predict the effect of missense changes on protein structure and function are either unavailable or do not agree on the potential impact of this missense change (SIFT: "Deleterious"; PolyPhen-2: "Probably Damaging"; Align-GVGD: "Class C0"). This variant has not been reported in the literature in individuals affected with ERCC3-related conditions. This variant is present in population databases (no rsID available, gnomAD 0.007%). This sequence change replaces proline, which is neutral and non-polar, with leucine, which is neutral and non-polar, at codon 578 of the ERCC3 protein (p.Pro578Leu).